The following is an entry in ClinVar:

ClinVar aggregate classification (germline): Uncertain significance. Review status: criteria provided, multiple submitters, no conflicts (2 of 4 stars). 3 submissions from 3 submitters: Uncertain significance (3). Last evaluated 2025-10-27.

Conditions:
Retinal cone dystrophy 4 (RCD4). Identifiers: Orphanet 1872, MedGen C1864849, MONDO:0012507, OMIM 610478.

Allele frequency attached by ClinVar (database versions not stated): gnomAD exomes 0.00001 and 0.00002; ExAC 0.00003; TOPMed 0.00003.
gnomAD v4.1: 17 of 1,612,542 alleles (0.0011%); highest among the groups gnomAD compares: Non-Finnish European, 0.00017%; no homozygotes.

Submissions (3):

Labcorp Genetics (formerly Invitae), Labcorp
Classification: Uncertain significance. Last evaluated: 2025-10-27. Review status: criteria provided, single submitter. Criteria: Invitae Variant Classification Sherloc (09022015). Collection method: clinical testing. Allele origin: germline.
Comment: This sequence change replaces tyrosine, which is neutral and polar, with histidine, which is basic and polar, at codon 430 of the CACNA2D4 protein (p.Tyr430His). This variant is present in population databases (rs369528514, gnomAD 0.03%). This variant has not been reported in the literature in individuals affected with CACNA2D4-related conditions. ClinVar contains an entry for this variant (Variation ID: 307862). An algorithm developed to predict the effect of missense changes on protein structure and function (PolyPhen-2) suggests that this variant is likely to be disruptive. In summary, the available evidence is currently insufficient to determine the role of this variant in disease. Therefore, it has been classified as a Variant of Uncertain Significance.

Blueprint Genetics
Classification: Uncertain significance. Last evaluated: 2020-11-09. Review status: criteria provided, single submitter. Criteria: ACMG Guidelines, 2015. Collection method: clinical testing. Allele origin: germline.

Illumina Laboratory Services, Illumina
Classification: Uncertain significance for Retinal cone dystrophy 4. Last evaluated: 2018-01-12. Review status: criteria provided, single submitter. Criteria: ICSL Variant Classification Criteria 13 December 2019. Collection method: clinical testing. Allele origin: germline.

NM_172364.5(CACNA2D4):c.1288T>C (p.Tyr430His)

Gene: CACNA2D4 (calcium voltage-gated channel auxiliary subunit alpha2delta 4; minus strand). Cytogenetic location: 12p13.33.
Variant type: single nucleotide variant.
Coding change: c.1288T>C on transcript NM_172364.5 (MANE Select); coding-DNA position 1288, T replaced by C.
Protein change: p.Tyr430His; replaces tyrosine 430 with histidine.
Molecular consequence: missense variant.
Genome position (GRCh38, 1-based): chr12:1,884,306, A>G on the plus strand (T>C on the coding strand, the complement: CACNA2D4 is on the minus strand). VCF-style: chr12-1884306-A-G. GRCh37 (hg19) VCF-style: chr12-1993472-A-G.
Other names: short protein forms Y430H.
Identifiers: ClinVar variation 307862 (VCV000307862.16), dbSNP rs369528514, ClinGen allele CA6387193.
Genomic context (GRCh38, chr12:1,884,306, plus strand): 5'-TGTTGTTGCATGCAATCCACTTCATGCGGTCAGCAAAAGACACTTCTCTCCCAATGAGGT[A>G]AGTGAAAACTCGGACCTAACCCACAAGACACAGAGGCACTCAGCAGCAAAATTCCCGGCC-3'
Protein context (NP_758952.4, residues 420-440): WPDCKVRVFT[Tyr430His]LIGREVSFAD